The following is an entry in ClinVar:

NM_003072.5(SMARCA4):c.4566C>T (p.Leu1522=)

Gene: SMARCA4 (SWI/SNF related BAF chromatin remodeling complex subunit ATPase 4; plus strand). Cytogenetic location: 19p13.2.
Variant type: single nucleotide variant.
Coding change: c.4566C>T on transcript NM_003072.5 (MANE Select); coding-DNA position 4566, C replaced by T.
Protein change: p.Leu1522=; no amino-acid change (leucine 1522 retained).
Molecular consequence: synonymous variant. On other transcripts: non-coding transcript variant (1).
Genome position (GRCh38, 1-based): chr19:11,058,820, C>T. VCF-style: chr19-11058820-C-T. GRCh37 (hg19) VCF-style: chr19-11169496-C-T.
Other names: c.4566C>T, p.Leu1522= (NM_001128844.3); c.4476C>T, p.Leu1492= (NM_001128845.2); c.4473C>T, p.Leu1491= (NM_001128846.2); c.4467C>T, p.Leu1489= (NM_001128847.4, NM_001374457.1); c.4464C>T, p.Leu1488= (NM_001128848.2); c.4662C>T, p.Leu1554= (NM_001128849.3, NM_001387283.1); c.4563C>T, p.Leu1521= (NM_001411150.1).
Identifiers: ClinVar variation 5042134 (VCV005042134.1).
Genomic context (GRCh38, chr19:11,058,820, plus strand): 5'-TAAGACCTGCTCCTCCCGTCCACTGCAGGAGCGCATTCGCAACCACAAGTACCGCAGCCT[C>T]AACGACCTAGAGAAGGACGTCATGCTCCTGTGCCAGAACGCACAGACCTTCAACCTGGAG-3'
Protein context (NP_003063.2, residues 1512-1532): ERIRNHKYRS[Leu1522=]NDLEKDVMLL

ClinVar aggregate classification (germline): Benign (1 of 4 stars; one submission).

Conditions:
Rhabdoid tumor predisposition syndrome 2 (RTPS2). Identifiers: Orphanet 231108, Orphanet 69077, MedGen C2750074, MONDO:0013224, OMIM 613325.

Submission:

Myriad Genetics, Inc.
Classification: Benign for Rhabdoid tumor predisposition syndrome 2. Last evaluated: 2026-07-23. Review status: criteria provided, single submitter. Criteria: Myriad Autosomal Dominant, Autosomal Recessive and X-Linked Classification Criteria (2023). Collection method: clinical testing. Allele origin: unknown.
Comment: This variant is considered benign. This variant is a silent/synonymous amino acid change and it is not expected to impact splicing.